The following is an entry in ClinVar:

NM_006440.5(TXNRD2):c.1154G>C (p.Gly385Ala)

Gene: TXNRD2 (thioredoxin reductase 2; minus strand). Cytogenetic location: 22q11.21.
Variant type: single nucleotide variant.
Coding change: c.1154G>C on transcript NM_006440.5 (MANE Select); coding-DNA position 1154, G replaced by C.
Protein change: p.Gly385Ala; replaces glycine 385 with alanine.
Molecular consequence: missense variant. On other transcripts: non-coding transcript variant (1).
Genome position (GRCh38, 1-based): chr22:19,880,650, C>G on the plus strand (G>C on the coding strand, the complement: TXNRD2 is on the minus strand). VCF-style: chr22-19880650-C-G. GRCh37 (hg19) VCF-style: chr22-19868173-C-G.
Other names: c.1151G>C, p.Gly384Ala (NM_001352300.2); c.1064G>C, p.Gly355Ala (NM_001352301.2); c.866G>C, p.Gly289Ala (NM_001352302.2); c.1154G>C (NM_006440.3); short protein forms G355A, G384A, G289A, G385A.
Identifiers: ClinVar variation 840176 (VCV000840176.9), dbSNP rs1938727490, ClinGen allele CA410681936.

ClinVar aggregate classification (germline): Uncertain significance. Review status: criteria provided, multiple submitters, no conflicts (2 of 4 stars). 2 submissions from 2 submitters: Uncertain significance (2). Last evaluated 2025-12-16.

Conditions:
Cardiovascular phenotype. Identifiers: MedGen CN230736.
Primary dilated cardiomyopathy (DCM). Also called: Dilated Cardiomyopathy. Identifiers: Orphanet 217604, MedGen C0007193, MeSH D002311, MONDO:0005021, HP:0001644. Inheritance: Various modes of inheritance.

gnomAD v4.1: 2 of 1,613,424 alleles (0.00012%); highest among the groups gnomAD compares: Non-Finnish European, 0.00017%; no homozygotes.

Submissions (2):

Ambry Genetics
Classification: Uncertain significance for Cardiovascular phenotype. Last evaluated: 2025-12-16. Review status: criteria provided, single submitter. Criteria: Ambry Variant Classification Scheme 2023. Collection method: clinical testing. Allele origin: germline.
Comment: The p.G385A variant (also known as c.1154G>C), located in coding exon 13 of the TXNRD2 gene, results from a G to C substitution at nucleotide position 1154. The glycine at codon 385 is replaced by alanine, an amino acid with similar properties. This amino acid position is conserved. In addition, this alteration is predicted to be tolerated by in silico analysis. Based on the available evidence, the clinical significance of this variant remains unclear.

Labcorp Genetics (formerly Invitae), Labcorp
Classification: Uncertain significance for Primary dilated cardiomyopathy. Last evaluated: 2019-03-15. Review status: criteria provided, single submitter. Criteria: Invitae Variant Classification Sherloc (09022015). Collection method: clinical testing. Allele origin: germline.
Comment: Algorithms developed to predict the effect of missense changes on protein structure and function (SIFT, PolyPhen-2, Align-GVGD) all suggest that this variant is likely to be tolerated, but these predictions have not been confirmed by published functional studies and their clinical significance is uncertain. In summary, the available evidence is currently insufficient to determine the role of this variant in disease. Therefore, it has been classified as a Variant of Uncertain Significance. This variant has not been reported in the literature in individuals with TXNRD2-related conditions. This variant is not present in population databases (ExAC no frequency). This sequence change replaces glycine with alanine at codon 385 of the TXNRD2 protein (p.Gly385Ala). The glycine residue is weakly conserved and there is a small physicochemical difference between glycine and alanine.